The following is an entry in ClinVar:

NM_002474.3(MYH11):c.2079C>T (p.Phe693=)

Gene: MYH11 (myosin heavy chain 11; minus strand). Cytogenetic location: 16p13.11.
Variant type: single nucleotide variant.
Coding change: c.2079C>T on transcript NM_002474.3 (MANE Select); coding-DNA position 2079, C replaced by T.
Protein change: p.Phe693=; no amino-acid change (phenylalanine 693 retained).
Molecular consequence: synonymous variant.
Genome position (GRCh38, 1-based): chr16:15,748,148, G>A on the plus strand (C>T on the coding strand, the complement: MYH11 is on the minus strand). VCF-style: chr16-15748148-G-A. GRCh37 (hg19) VCF-style: chr16-15842005-G-A.
Other names: p.F693F:TTC>TTT; p.Phe700=; c.2100C>T, p.Phe700= (NM_001040113.2, NM_001040114.2); c.2079C>T, p.Phe693= (NM_022844.3).
Identifiers: ClinVar variation 138329 (VCV000138329.40), dbSNP rs34287137, ClinGen allele CA292271.
Genomic context (GRCh38, chr16:15,748,148, plus strand): 5'-CTGCCGGCAGATGCGAATGCCTTCCAGCACCCCATTGCACCGCAGCTGCTCCAGCACCAG[G>A]AACGCATCCAGCTTGCCGGACTGCAAAGGTCAAAGAGGGCAGTGGATCCCTGGGGCCAGA-3'
Protein context (NP_002465.1, residues 683-703): HEKRSGKLDA[Phe693=]LVLEQLRCNG

ClinVar aggregate classification (germline): Benign. Review status: criteria provided, multiple submitters, no conflicts (2 of 4 stars). 13 submissions from 13 submitters: Benign (13). Last evaluated 2026-02-03.

Conditions:
Familial thoracic aortic aneurysm and aortic dissection (TAAD). Also called: Thoracic aortic aneurysms and dissections. Identifiers: Orphanet 91387, MedGen C4707243, MONDO:0019625.
Cardiovascular phenotype. Identifiers: MedGen CN230736.
Aortic aneurysm, familial thoracic 4 (AAT4). Also called: AORTIC ANEURYSM/AORTIC DISSECTION AND PATENT DUCTUS ARTERIOSUS. Identifiers: MedGen C1851504, MONDO:0007568, OMIM 132900.

Allele frequency attached by ClinVar (database versions not stated): gnomAD exomes 0.00633 and 0.01647; ExAC 0.01984; gnomAD 0.05901 and 0.06287; ESP Exome Variant Server 0.06357; TOPMed 0.06618; 1000 Genomes Project 0.07169; 1000 Genomes Project 30x 0.07933.
gnomAD v4.1: 18,665 of 1,613,896 alleles (1.2%); highest among the groups gnomAD compares: African/African-American, 21%; 1,650 homozygotes.

Submissions (13):

Labcorp Genetics (formerly Invitae), Labcorp
Classification: Benign for Aortic aneurysm, familial thoracic 4. Last evaluated: 2026-02-03. Review status: criteria provided, single submitter. Criteria: Invitae Variant Classification Sherloc (09022015). Collection method: clinical testing. Allele origin: germline.

Molecular Diagnostic Laboratory for Inherited Cardiovascular Disease, Montreal Heart Institute
Classification: Benign. Last evaluated: 2025-07-24. Review status: criteria provided, single submitter. Criteria: ACMG Guidelines, 2015. Collection method: clinical testing. Allele origin: germline. Affected: no.
Comment: BA1

ARUP Laboratories, Molecular Genetics and Genomics, ARUP Laboratories
Classification: Benign. Last evaluated: 2025-06-16. Review status: criteria provided, single submitter. Criteria: ARUP Molecular Germline Variant Investigation Process 2024. Collection method: clinical testing. Allele origin: germline.

All of Us Research Program, National Institutes of Health
Classification: Benign for Familial thoracic aortic aneurysm and aortic dissection. Last evaluated: 2024-02-05. Review status: criteria provided, single submitter. Criteria: ACMG Guidelines, 2015. Collection method: clinical testing. Allele origin: germline. Inheritance: Autosomal dominant inheritance. Observed: 3,394 variant alleles, 3,093 heterozygotes, 301 homozygotes.
Comment: This study involves interpretation of variants in research participants for the purpose of population health screening. Participant phenotype was not available at the time of variant classification. Additional details can be found in publication PMID: 35346344, PMCID: PMC8962531

CHEO Genetics Diagnostic Laboratory, Children's Hospital of Eastern Ontario
Classification: Benign for Familial thoracic aortic aneurysm and aortic dissection. Last evaluated: 2022-11-07. Review status: criteria provided, single submitter. Criteria: ACMG Guidelines, 2015. Collection method: clinical testing. Allele origin: germline.

Color Diagnostics, LLC DBA Color Health
Classification: Benign for Familial thoracic aortic aneurysm and aortic dissection. Last evaluated: 2018-03-16. Review status: criteria provided, single submitter. Criteria: ACMG Guidelines, 2015. Collection method: clinical testing. Allele origin: germline.

Illumina Laboratory Services, Illumina
Classification: Benign for Aortic aneurysm, familial thoracic 4. Last evaluated: 2018-01-12. Review status: criteria provided, single submitter. Criteria: ICSL Variant Classification Criteria 13 December 2019. Collection method: clinical testing. Allele origin: germline.
Comment: This variant was observed in the ICSL laboratory as part of a predisposition screen in an ostensibly healthy population. It had not been previously curated by ICSL or reported in the Human Gene Mutation Database (HGMD: prior to June 1st, 2018), and was therefore a candidate for classification through an automated scoring system. Utilizing variant allele frequency, disease prevalence and penetrance estimates, and inheritance mode, an automated score was calculated to assess if this variant is too frequent to cause the disease. Based on the score and internal cut-off values, a variant classified as benign is not then subjected to further curation. The score for this variant resulted in a classification of benign for this disease.

Ambry Genetics
Classification: Benign for Cardiovascular phenotype. Last evaluated: 2015-07-29. Review status: criteria provided, single submitter. Criteria: Ambry Autosomal Dominant and X-Linked criteria (10/2015). Collection method: clinical testing. Allele origin: germline. Observed: 1 variant allele.
Comment: General population or subpopulation frequency is too high to be a pathogenic mutation based on disease/syndrome prevalence and penetrance

Mayo Clinic Laboratories, Mayo Clinic
Classification: Benign. Last evaluated: 2014-04-17. Review status: criteria provided, single submitter. Criteria: ACMG Guidelines, 2015. Collection method: clinical testing. Allele origin: germline. Observed: 31 variant alleles.

Laboratory for Molecular Medicine, Mass General Brigham Personalized Medicine
Classification: Benign. Last evaluated: 2013-04-04. Review status: criteria provided, single submitter. Criteria: LMM Criteria. Collection method: clinical testing. Allele origin: germline. Observed: 1 variant allele.
Comment: Phe700Phe in exon 18 of MYH11: This variant is not expected to have clinical sig nificance because it does not alter an amino acid residue and is not located wit hin the splice consensus sequence. It has been identified in 18.6% (818/4394) of African American chromosomes from a broad population by the NHLBI Exome Sequenc ing Project (dbSNP rs34287137).

GeneDx
Classification: Benign. Last evaluated: 2013-02-27. Review status: criteria provided, single submitter. Criteria: GeneDx Variant Classification (06012015). Collection method: clinical testing. Allele origin: germline. Affected: yes.
Comment: This variant is considered likely benign or benign based on one or more of the following criteria: it is a conservative change, it occurs at a poorly conserved position in the protein, it is predicted to be benign by multiple in silico algorithms, and/or has population frequency not consistent with disease.

Breakthrough Genomics
Classification: Benign. Review status: criteria provided, single submitter. Criteria: ACMG Guidelines, 2015. Collection method: not provided. Allele origin: germline. Inheritance: Autosomal recessive inheritance. Affected: yes.

PreventionGenetics, part of Exact Sciences
Classification: Benign. Review status: criteria provided, single submitter. Criteria: ACMG Guidelines, 2015. Collection method: clinical testing. Allele origin: germline.